The following is an entry in ClinVar:

NM_001267550.2(TTN):c.41407G>T (p.Glu13803Ter)

Gene: TTN (titin; minus strand). Cytogenetic location: 2q31.2.
Variant type: single nucleotide variant.
Coding change: c.41407G>T on transcript NM_001267550.2 (MANE Select); coding-DNA position 41407, G replaced by T.
Protein change: p.Glu13803Ter; replaces glutamic acid 13803 with a stop codon.
Molecular consequence: nonsense.
Genome position (GRCh38, 1-based): chr2:178,636,164, C>A on the plus strand (G>T on the coding strand, the complement: TTN is on the minus strand). VCF-style: chr2-178636164-C-A. GRCh37 (hg19) VCF-style: chr2-179500891-C-A.
Other names: c.36484G>T, p.Glu12162Ter (NM_001256850.1); c.14212G>T, p.Glu4738Ter (NM_003319.4); c.33703G>T, p.Glu11235Ter (NM_133378.4); c.14587G>T, p.Glu4863Ter (NM_133432.3); c.14788G>T, p.Glu4930Ter (NM_133437.4); short protein forms E11235*, E12162*, E13803*, E4738*, E4863*, E4930*.
Identifiers: ClinVar variation 3751640 (VCV003751640.2).
Genomic context (GRCh38, chr2:178,636,164, plus strand): 5'-GTTTCTCCACCACAATCTTGCCATCCTTCCTCCAGACCACGTCACGCTCTTTGTTTAACT[C>A]GCAGCTCAAGTACAATGGCTGTCCTTTGACCACTGTGACTTCCTCTTCCAGTGTTTTTAC-3'

ClinVar aggregate classification (germline): Likely pathogenic (1 of 4 stars; one submission).

Conditions:
Autosomal recessive limb-girdle muscular dystrophy type 2J (LGMDR10). Also called: Limb-girdle muscular dystrophy, type 2J; MUSCULAR DYSTROPHY, LIMB-GIRDLE, AUTOSOMAL RECESSIVE 10. Identifiers: Orphanet 140922, MedGen C1837342, MONDO:0012127, OMIM 608807.
Dilated cardiomyopathy 1G (CMD1G). Identifiers: Orphanet 154, MedGen C1858763, MONDO:0011400, OMIM 604145.

Submission:

Labcorp Genetics (formerly Invitae), Labcorp
Classification: Likely pathogenic for Dilated cardiomyopathy 1G; Autosomal recessive limb-girdle muscular dystrophy type 2J. Last evaluated: 2025-09-17. Review status: criteria provided, single submitter. Criteria: Invitae Variant Classification Sherloc (09022015). Collection method: clinical testing. Allele origin: germline.
Comment: This sequence change creates a premature translational stop signal (p.Glu13803*) in the TTN gene. While this is not anticipated to result in nonsense mediated decay, it is expected to create a truncated TTN protein. This variant is not present in population databases (gnomAD no frequency). This variant has not been reported in the literature in individuals affected with TTN-related conditions. ClinVar contains an entry for this variant (Variation ID: 3751640). This variant is located in the I band of TTN (PMID: 25589632). Truncating variants in this region have been reported in individuals affected with autosomal recessive centronuclear myopathy (PMID: 23975875, internal data). Truncating variants in this region have also been identified in individuals affected with autosomal dominant dilated cardiomyopathy and/or cardio-related conditions (PMID: 27869827, 32964742, internal data). In summary, the currently available evidence indicates that the variant is pathogenic, but additional data are needed to prove that conclusively. Therefore, this variant has been classified as Likely Pathogenic.

Literature cited by the submitters: PubMed 25589632; PubMed 23975875; PubMed 27869827; PubMed 32964742.